The following is an entry in ClinVar:

NM_021942.6(TRAPPC11):c.2419G>A (p.Val807Met)

Genes: TRAPPC11 (trafficking protein particle complex subunit 11; plus strand), LOC126807238 (BRD4-independent group 4 enhancer GRCh37_chr4:184614366-184615565; plus strand). Cytogenetic location: 4q35.1.
Variant type: single nucleotide variant.
Coding change: c.2419G>A on transcript NM_021942.6 (MANE Select); coding-DNA position 2419, G replaced by A.
Protein change: p.Val807Met; replaces valine 807 with methionine.
Molecular consequence: missense variant.
Genome position (GRCh38, 1-based): chr4:183,693,949, G>A. VCF-style: chr4-183693949-G-A. GRCh37 (hg19) VCF-style: chr4-184615102-G-A.
Other names: c.2419G>A, p.Val807Met (NM_199053.3); short protein forms V807M.
Identifiers: ClinVar variation 474349 (VCV000474349.13), dbSNP rs139113789, ClinGen allele CA3152190.

ClinVar aggregate classification (germline): Uncertain significance. Review status: criteria provided, multiple submitters, no conflicts (2 of 4 stars). 4 submissions from 4 submitters: Uncertain significance (4). Last evaluated 2025-03-13.

Conditions:
Autosomal recessive limb-girdle muscular dystrophy type R18 (LGMDR18). Also called: Limb-girdle muscular dystrophy, type 2S; MUSCULAR DYSTROPHY, LIMB-GIRDLE, AUTOSOMAL RECESSIVE 18; Autosomal recessive limb-girdle muscular dystrophy type 2S. Identifiers: Orphanet 369840, MedGen C4517996, MONDO:0014144, OMIM 615356.

Allele frequency attached by ClinVar (database versions not stated): 1000 Genomes Project 30x 0.00031; 1000 Genomes Project 0.00040; gnomAD 0.00019; ESP Exome Variant Server 0.00031; TOPMed 0.00016.
gnomAD v4.1: 523 of 1,613,832 alleles (0.032%); highest among the groups gnomAD compares: South Asian, 0.1%; 2 homozygotes.

Submissions (4):

Revvity Omics, Revvity
Classification: Uncertain significance for Autosomal recessive limb-girdle muscular dystrophy type R18. Last evaluated: 2025-03-13. Review status: criteria provided, single submitter. Criteria: ACMG Guidelines, 2015. Collection method: clinical testing. Allele origin: germline.

Labcorp Genetics (formerly Invitae), Labcorp
Classification: Uncertain significance for Autosomal recessive limb-girdle muscular dystrophy type R18. Last evaluated: 2022-09-07. Review status: criteria provided, single submitter. Criteria: Invitae Variant Classification Sherloc (09022015). Collection method: clinical testing. Allele origin: germline.
Comment: This sequence change replaces valine, which is neutral and non-polar, with methionine, which is neutral and non-polar, at codon 807 of the TRAPPC11 protein (p.Val807Met). This variant is present in population databases (rs139113789, gnomAD 0.08%). This variant has not been reported in the literature in individuals affected with TRAPPC11-related conditions. ClinVar contains an entry for this variant (Variation ID: 474349). Algorithms developed to predict the effect of missense changes on protein structure and function output the following: SIFT: "Tolerated"; PolyPhen-2: "Probably Damaging"; Align-GVGD: "Class C0". The methionine amino acid residue is found in multiple mammalian species, which suggests that this missense change does not adversely affect protein function. In summary, the available evidence is currently insufficient to determine the role of this variant in disease. Therefore, it has been classified as a Variant of Uncertain Significance.

GeneDx
Classification: Uncertain significance. Last evaluated: 2022-07-27. Review status: criteria provided, single submitter. Criteria: GeneDx Variant Classification Process June 2021. Collection method: clinical testing. Allele origin: germline. Affected: yes.
Comment: In silico analysis supports that this missense variant does not alter protein structure/function; Has not been previously published as pathogenic or benign to our knowledge

Athena Diagnostics
Classification: Uncertain significance. Last evaluated: 2020-10-29. Review status: criteria provided, single submitter. Criteria: Athena Diagnostics criteria. Collection method: clinical testing. Allele origin: unknown.